The following is an entry in ClinVar:

ClinVar aggregate classification (germline): Likely pathogenic (1 of 4 stars; one submission).

Conditions:
Neurodevelopmental disorder. Identifiers: MedGen C1535926, MeSH D065886, MONDO:0700092.

Submission:

Victorian Clinical Genetics Services, Murdoch Childrens Research Institute
Classification: Likely pathogenic for Neurodevelopmental disorder. Last evaluated: 2024-09-20. Review status: criteria provided, single submitter. Criteria: ACMG Guidelines, 2015. Collection method: clinical testing. Allele origin: germline. Inheritance: Autosomal dominant inheritance. Affected: yes.
Comment: Based on the classification scheme VCGS_Germline_v1.3.4, this variant is classified as Likely pathogenic. Following criteria are met: 0102 - Loss of function is a known mechanism of disease in this gene and is associated with neurodevelopmental disorder (MONDO:0700092), NCKAP1-related. (I) 0107 - This gene is associated with autosomal dominant disease. (I) 0200 - Variant is predicted to result in a missense amino acid change from arginine to serine. (I) 0251 - This variant is heterozygous. (I) 0301 - Variant is absent from gnomAD (both v2 and v3). (SP) 0501 - Missense variant consistently predicted to be damaging by multiple in silico tools or highly conserved with a major amino acid change. (SP) 0600 - Variant is located in the annotated Nck-associated protein 1 domain (DECIPHER). (I) 0710 - Another missense variant comparable to the one identified in this case has inconclusive previous evidence for pathogenicity. p.(Arg669Thr) was identified in an individual from an autism/intellectual disability cohort. However, phenotypic details were not provided and the variant was selected based on population frequency in ExAC and CADD score (PMID: 33004838). (I) 0807 - This variant has no previous evidence of pathogenicity. (I) 0905 - No published segregation evidence has been identified for this variant. (I) 1007 - No published functional evidence has been identified for this variant. (SP) Legend: (SP) - Supporting pathogenic, (I) - Information, (SB) - Supporting benign

Literature cited by the submitters: PubMed 33004838.

NM_013436.5(NCKAP1):c.2007G>T (p.Arg669Ser)

Gene: NCKAP1 (NCK associated protein 1; minus strand). Cytogenetic location: 2q32.1.
Variant type: single nucleotide variant.
Coding change: c.2007G>T on transcript NM_013436.5 (MANE Select); coding-DNA position 2007, G replaced by T.
Protein change: p.Arg669Ser; replaces arginine 669 with serine.
Molecular consequence: missense variant.
Genome position (GRCh38, 1-based): chr2:182,957,471, C>A on the plus strand (G>T on the coding strand, the complement: NCKAP1 is on the minus strand). VCF-style: chr2-182957471-C-A. GRCh37 (hg19) VCF-style: chr2-183822199-C-A.
Other names: c.2025G>T, p.Arg675Ser (NM_205842.3); short protein forms R669S, R675S.
Identifiers: ClinVar variation 3376855 (VCV003376855.1).